The following is an entry in ClinVar:

ClinVar aggregate classification (germline): Likely benign (0 of 4 stars; one submission).

Conditions:
DCHS2-related disorder. Also called: DCHS2-related condition.

Allele frequency attached by ClinVar (database versions not stated): 1000 Genomes Project 0.00020; 1000 Genomes Project 30x 0.00078; gnomAD 0.00179; TOPMed 0.00181; ESP Exome Variant Server 0.00219.
gnomAD v4.1: 4,351 of 1,550,372 alleles (0.28%); highest among the groups gnomAD compares: Non-Finnish European, 0.35%; 6 homozygotes.

Submission:

PreventionGenetics, part of Exact Sciences
Classification: Likely benign for DCHS2-related condition. Last evaluated: 2023-04-20. Review status: no assertion criteria provided. Collection method: clinical testing. Allele origin: germline.
Comment: This variant is classified as likely benign based on ACMG/AMP sequence variant interpretation guidelines (Richards et al. 2015 PMID: 25741868, with internal and published modifications).

NM_001358235.2(DCHS2):c.367G>T (p.Gly123Cys)

Gene: DCHS2 (dachsous cadherin-related 2; minus strand). Cytogenetic location: 4q31.3.
Variant type: single nucleotide variant.
Coding change: c.367G>T on transcript NM_001358235.2 (MANE Select); coding-DNA position 367, G replaced by T.
Protein change: p.Gly123Cys; replaces glycine 123 with cysteine.
Molecular consequence: missense variant.
Genome position (GRCh38, 1-based): chr4:154,490,989, C>A on the plus strand (G>T on the coding strand, the complement: DCHS2 is on the minus strand). VCF-style: chr4-154490989-C-A. GRCh37 (hg19) VCF-style: chr4-155412141-C-A.
Other names: c.367G>T, p.Gly123Cys (NM_001142552.2, NM_001412223.1); short protein forms G123C.
Identifiers: ClinVar variation 3035088 (VCV003035088.2), dbSNP rs148953504, ClinGen allele CA3113906.